The following is an entry in ClinVar:

ClinVar aggregate classification (germline): Conflicting classifications of pathogenicity. Review status: criteria provided, conflicting classifications (1 of 4 stars). 4 submissions from 4 submitters: Uncertain significance (2); Likely benign (2). Last evaluated 2025-08-20.

Conditions:
Knobloch syndrome (KNO). Also called: Myopia retinal detachment encephalocele; RETINAL DETACHMENT AND OCCIPITAL ENCEPHALOCELE. Identifiers: Orphanet 1571, MedGen C1849409, MONDO:0800166.
COL18A1-related disorder. Also called: COL18A1-related disorders; COL18A1-related condition.

Allele frequency attached by ClinVar (database versions not stated): gnomAD 0.00009 and 0.00012; TOPMed 0.00009; gnomAD exomes 0.00014 and 0.00015; ExAC 0.00025.
gnomAD v4.1: 217 of 1,565,104 alleles (0.014%); highest among the groups gnomAD compares: East Asian, 0.45%; 1 homozygote.

Submissions (4):

Labcorp Genetics (formerly Invitae), Labcorp
Classification: Uncertain significance. Last evaluated: 2025-08-20. Review status: criteria provided, single submitter. Criteria: Invitae Variant Classification Sherloc (09022015). Collection method: clinical testing. Allele origin: germline.
Comment: This sequence change replaces glycine, which is neutral and non-polar, with arginine, which is basic and polar, at codon 387 of the COL18A1 protein (p.Gly387Arg). This variant is present in population databases (rs755070737, gnomAD 0.2%). This variant has not been reported in the literature in individuals affected with COL18A1-related conditions. ClinVar contains an entry for this variant (Variation ID: 898136). Experimental studies and prediction algorithms are not available or were not evaluated, and the functional significance of this variant is currently unknown. In summary, the available evidence is currently insufficient to determine the role of this variant in disease. Therefore, it has been classified as a Variant of Uncertain Significance.

PreventionGenetics, part of Exact Sciences
Classification: Likely benign for COL18A1-related condition. Last evaluated: 2025-04-18. Review status: criteria provided, single submitter. Criteria: ACMG Guidelines, 2015. Collection method: clinical testing. Allele origin: germline.
Comment: This variant is classified as likely benign based on ACMG/AMP sequence variant interpretation guidelines (Richards et al. 2015 PMID: 25741868, with internal and published modifications).

Blueprint Genetics
Classification: Likely benign. Last evaluated: 2022-05-04. Review status: criteria provided, single submitter. Criteria: ACMG Guidelines, 2015. Collection method: clinical testing. Allele origin: germline.

Illumina Laboratory Services, Illumina
Classification: Uncertain significance for Knobloch syndrome 1. Last evaluated: 2018-01-12. Review status: criteria provided, single submitter. Criteria: ICSL Variant Classification Criteria 13 December 2019. Collection method: clinical testing. Allele origin: germline.

NM_001379500.1(COL18A1):c.1159G>A (p.Gly387Arg)

Gene: COL18A1 (collagen type XVIII alpha 1 chain; plus strand). Cytogenetic location: 21q22.3.
Variant type: single nucleotide variant.
Coding change: c.1159G>A on transcript NM_001379500.1 (MANE Select); coding-DNA position 1159, G replaced by A.
Protein change: p.Gly387Arg; replaces glycine 387 with arginine.
Molecular consequence: missense variant.
Genome position (GRCh38, 1-based): chr21:45,477,903, G>A. VCF-style: chr21-45477903-G-A. GRCh37 (hg19) VCF-style: chr21-46897817-G-A.
Other names: NM_130445.2:c.1159G>A; c.1699G>A, p.Gly567Arg (NM_030582.4); c.2404G>A, p.Gly802Arg (NM_130444.3); c.1699G>A (NM_030582.3); short protein forms G567R, G802R, G387R.
Identifiers: ClinVar variation 898136 (VCV000898136.10), dbSNP rs755070737, ClinGen allele CA10066089.